The following is an entry in ClinVar:

ClinVar aggregate classification (germline): Uncertain significance (1 of 4 stars; one submission).

Conditions:
Hereditary cancer-predisposing syndrome. Also called: Neoplastic Syndromes, Hereditary; Hereditary Cancer Syndrome; Hereditary neoplastic syndrome; Tumor predisposition. Identifiers: Orphanet 140162, MedGen C0027672, MeSH D009386, MONDO:0015356.

Submission:

Ambry Genetics
Classification: Uncertain significance for Hereditary cancer-predisposing syndrome. Last evaluated: 2023-04-28. Review status: criteria provided, single submitter. Criteria: Ambry Variant Classification Scheme 2023. Collection method: clinical testing. Allele origin: germline.
Comment: The p.C340W variant (also known as c.1020T>G), located in coding exon 8 of the BMPR1A gene, results from a T to G substitution at nucleotide position 1020. The cysteine at codon 340 is replaced by tryptophan, an amino acid with highly dissimilar properties. This amino acid position is conserved. In addition, the in silico prediction for this alteration is inconclusive. Since supporting evidence is limited at this time, the clinical significance of this alteration remains unclear.

NM_004329.3(BMPR1A):c.1020T>G (p.Cys340Trp)

Gene: BMPR1A (bone morphogenetic protein receptor type 1A; plus strand). Cytogenetic location: 10q23.2.
Variant type: single nucleotide variant.
Coding change: c.1020T>G on transcript NM_004329.3 (MANE Select); coding-DNA position 1020, T replaced by G.
Protein change: p.Cys340Trp; replaces cysteine 340 with tryptophan.
Molecular consequence: missense variant. On other transcripts: non-coding transcript variant (3).
Genome position (GRCh38, 1-based): chr10:86,919,323, T>G. VCF-style: chr10-86919323-T-G. GRCh37 (hg19) VCF-style: chr10-88679080-T-G.
Other names: c.1095T>G, p.Cys365Trp (NM_001406559.1); c.1068T>G, p.Cys356Trp (NM_001406560.1); c.1020T>G, p.Cys340Trp (NM_001406561.1, NM_001406562.1, NM_001406563.1 and 19 more transcripts); c.1014T>G, p.Cys338Trp (NM_001406583.1); c.936T>G, p.Cys312Trp (NM_001406584.1, NM_001406585.1, NM_001406586.1 and 2 more transcripts); c.678T>G, p.Cys226Trp (NM_001406589.1); short protein forms C226W, C338W, C340W, C356W, C312W, C365W.
Identifiers: ClinVar variation 2565025 (VCV002565025.2), dbSNP rs2539620728, ClinGen allele CA377460605.